The following is an entry in ClinVar:

ClinVar aggregate classification (germline): Uncertain significance (1 of 4 stars; one submission).

Conditions:
Regional enteritis. Also called: Enteritis, Granulomatous. Identifiers: MedGen C0678202, MeSH D003424.
Blau syndrome (BLAUS). Also called: ARTHROCUTANEOUVEAL GRANULOMATOSIS; GRANULOMATOSIS, FAMILIAL JUVENILE SYSTEMIC; GRANULOMATOSIS, FAMILIAL, BLAU TYPE; GRANULOMATOUS INFLAMMATORY ARTHRITIS, DERMATITIS, AND UVEITIS, FAMILIAL; JABS SYNDROME. Identifiers: Orphanet 90340, MedGen C5201146, MONDO:0008523, OMIM 186580.

Submission:

Labcorp Genetics (formerly Invitae), Labcorp
Classification: Uncertain significance for Regional enteritis; Blau syndrome. Last evaluated: 2024-07-16. Review status: criteria provided, single submitter. Criteria: Invitae Variant Classification Sherloc (09022015). Collection method: clinical testing. Allele origin: germline.
Comment: This sequence change replaces tyrosine, which is neutral and polar, with serine, which is neutral and polar, at codon 240 of the NOD2 protein (p.Tyr240Ser). This variant is not present in population databases (gnomAD no frequency). This variant has not been reported in the literature in individuals affected with NOD2-related conditions. Advanced modeling of protein sequence and biophysical properties (such as structural, functional, and spatial information, amino acid conservation, physicochemical variation, residue mobility, and thermodynamic stability) performed at Invitae indicates that this missense variant is not expected to disrupt NOD2 protein function with a negative predictive value of 95%. In summary, the available evidence is currently insufficient to determine the role of this variant in disease. Therefore, it has been classified as a Variant of Uncertain Significance.

NM_001370466.1(NOD2):c.638A>C (p.Tyr213Ser)

Gene: NOD2 (nucleotide binding oligomerization domain containing 2; plus strand). Cytogenetic location: 16q12.1.
Variant type: single nucleotide variant.
Coding change: c.638A>C on transcript NM_001370466.1 (MANE Select); coding-DNA position 638, A replaced by C.
Protein change: p.Tyr213Ser; replaces tyrosine 213 with serine.
Molecular consequence: missense variant. On other transcripts: non-coding transcript variant (1).
Genome position (GRCh38, 1-based): chr16:50,710,630, A>C. VCF-style: chr16-50710630-A-C. GRCh37 (hg19) VCF-style: chr16-50744541-A-C.
Other names: c.638A>C, p.Tyr213Ser (NM_001293557.2); c.719A>C, p.Tyr240Ser (NM_022162.3); short protein forms Y213S, Y240S.
Identifiers: ClinVar variation 3754269 (VCV003754269.2).